The following is an entry in ClinVar:

NM_000540.3(RYR1):c.10997A>C (p.Asp3666Ala)

Gene: RYR1 (ryanodine receptor 1; plus strand). Cytogenetic location: 19q13.2.
Variant type: single nucleotide variant.
Coding change: c.10997A>C on transcript NM_000540.3 (MANE Select); coding-DNA position 10997, A replaced by C.
Protein change: p.Asp3666Ala; replaces aspartic acid 3666 with alanine.
Molecular consequence: missense variant.
Genome position (GRCh38, 1-based): chr19:38,528,658, A>C. VCF-style: chr19-38528658-A-C. GRCh37 (hg19) VCF-style: chr19-39019298-A-C.
Other names: c.10982A>C, p.Asp3661Ala (NM_001042723.2); short protein forms D3661A, D3666A.
Identifiers: ClinVar variation 4758885 (VCV004758885.1).

ClinVar aggregate classification (germline): Uncertain significance (1 of 4 stars; one submission).

Conditions:
Malignant hyperthermia, susceptibility to, 1 (MHS1). Also called: RYR1-Related Malignant Hyperthermia Susceptibility; Malignant hyperthermia suceptibility 1; Anesthesia related hyperthermia; Malignant hyperpyrexia; Fulminating hyperpyrexia; Pharmacogenic myopathy. Identifiers: Orphanet 423, MedGen C2930980, MONDO:0007783, OMIM 145600.

Submission:

Color Diagnostics, LLC DBA Color Health
Classification: Uncertain significance for Malignant hyperthermia, susceptibility to, 1. Last evaluated: 2025-07-14. Review status: criteria provided, single submitter. Criteria: ACMG Guidelines, 2015. Collection method: clinical testing. Allele origin: germline.
Comment: This missense variant replaces aspartic acid with alanine at codon 3666 of the RYR1 protein. Computational prediction suggests that this variant may not impact protein structure and function. To our knowledge, functional studies have not been reported for this variant. This variant has not been reported in individuals affected with RYR1-related disorders in the literature. This variant has not been identified in the general population by the Genome Aggregation Database (gnomAD). The available evidence is insufficient to determine the role of this variant in disease conclusively. Therefore, this variant is classified as a Variant of Uncertain Significance.